The following is an entry in ClinVar:

NM_000535.7(PMS2):c.1985A>T (p.Asp662Val)

Gene: PMS2 (PMS1 homolog 2, mismatch repair system component; minus strand). Cytogenetic location: 7p22.1.
Variant type: single nucleotide variant.
Coding change: c.1985A>T on transcript NM_000535.7 (MANE Select); coding-DNA position 1985, A replaced by T.
Protein change: p.Asp662Val; replaces aspartic acid 662 with valine.
Molecular consequence: missense variant. On other transcripts: non-coding transcript variant (1).
Genome position (GRCh38, 1-based): chr7:5,986,780, T>A on the plus strand (A>T on the coding strand, the complement: PMS2 is on the minus strand). VCF-style: chr7-5986780-T-A. GRCh37 (hg19) VCF-style: chr7-6026411-T-A.
Other names: c.1580A>T, p.Asp527Val (NM_001322003.2, NM_001322004.2, NM_001322005.2 and 1 more transcripts); c.1829A>T, p.Asp610Val (NM_001322006.2); c.1667A>T, p.Asp556Val (NM_001322007.2, NM_001322008.2); c.1424A>T, p.Asp475Val (NM_001322010.2); c.1052A>T, p.Asp351Val (NM_001322011.2, NM_001322012.2); c.1412A>T, p.Asp471Val (NM_001322013.2); c.1985A>T, p.Asp662Val (NM_001322014.2); c.1676A>T, p.Asp559Val (NM_001322015.2); short protein forms D351V, D559V, D610V, D527V, D471V, D475V, D662V, D556V.
Identifiers: ClinVar variation 926384 (VCV000926384.13), dbSNP rs1320079782, ClinGen allele CA366738948.
Genomic context (GRCh38, chr7:5,986,780, plus strand): 5'-TTAGATAAAAAGAGAAAAAGTAAAAAATTAAAACTTTACCTTATCTCTTTTCTTAGTTCA[T>A]CTTCGGCTGCTTGATTTTCTCCAGGACAAATCTTTGCCCTAAACTTCCTGTAATTCTGTT-3'
Protein context (NP_000526.2, residues 652-672): ICPGENQAAE[Asp662Val]ELRKEISKTM

ClinVar aggregate classification (germline): Uncertain significance. Review status: criteria provided, multiple submitters, no conflicts (2 of 4 stars). 3 submissions from 3 submitters: Uncertain significance (3). Last evaluated 2023-12-05.

Conditions:
Hereditary nonpolyposis colorectal neoplasms. Identifiers: MedGen C0009405, MeSH D003123.
Hereditary cancer-predisposing syndrome. Also called: Neoplastic Syndromes, Hereditary; Tumor predisposition; Hereditary Cancer Syndrome; Hereditary neoplastic syndrome. Identifiers: Orphanet 140162, MedGen C0027672, MeSH D009386, MONDO:0015356.
Lynch syndrome 4 (LYNCH4). Also called: Colorectal cancer, hereditary nonpolyposis, type 4; Hereditary non-polyposis colorectal cancer, type 4. Identifiers: Orphanet 144, MedGen C1838333, MONDO:0013699, OMIM 614337. Disease mechanism: loss of function.

Submissions (3):

Color Diagnostics, LLC DBA Color Health
Classification: Uncertain significance for Hereditary cancer-predisposing syndrome. Last evaluated: 2023-12-05. Review status: criteria provided, single submitter. Criteria: ACMG Guidelines, 2015. Collection method: clinical testing. Allele origin: germline.
Comment: This missense variant replaces aspartic acid with valine at codon 662 of the PMS2 protein. Computational prediction suggests that this variant may not impact protein structure and function (internally defined REVEL score threshold <= 0.5, PMID: 27666373). To our knowledge, functional studies have not been reported for this variant. This variant has not been reported in individuals affected with PMS2-related disorders in the literature. This variant has not been identified in the general population by the Genome Aggregation Database (gnomAD). The available evidence is insufficient to determine the role of this variant in disease conclusively. Therefore, this variant is classified as a Variant of Uncertain Significance.

Baylor Genetics
Classification: Uncertain significance for Lynch syndrome 4. Last evaluated: 2023-06-07. Review status: criteria provided, single submitter. Criteria: ACMG Guidelines, 2015. Collection method: clinical testing. Allele origin: unknown.

Labcorp Genetics (formerly Invitae), Labcorp
Classification: Uncertain significance for Hereditary nonpolyposis colorectal neoplasms. Last evaluated: 2021-06-05. Review status: criteria provided, single submitter. Criteria: Invitae Variant Classification Sherloc (09022015). Collection method: clinical testing. Allele origin: germline.
Comment: This sequence change replaces aspartic acid with valine at codon 662 of the PMS2 protein (p.Asp662Val). The aspartic acid residue is moderately conserved and there is a large physicochemical difference between aspartic acid and valine. This variant is not present in population databases (ExAC no frequency). This variant has not been reported in the literature in individuals with PMS2-related conditions. ClinVar contains an entry for this variant (Variation ID: 926384). Advanced modeling of protein sequence and biophysical properties (such as structural, functional, and spatial information, amino acid conservation, physicochemical variation, residue mobility, and thermodynamic stability) performed at Invitae indicates that this missense variant is not expected to disrupt PMS2 protein function. In summary, the available evidence is currently insufficient to determine the role of this variant in disease. Therefore, it has been classified as a Variant of Uncertain Significance.